The following is an entry in ClinVar:

NM_001127208.3(TET2):c.3197C>T (p.Thr1066Ile)

Genes: TET2 (tet methylcytosine dioxygenase 2; plus strand), TET2-AS1 (TET2 antisense RNA 1; minus strand). Cytogenetic location: 4q24.
Variant type: single nucleotide variant.
Coding change: c.3197C>T on transcript NM_001127208.3 (MANE Select); coding-DNA position 3197, C replaced by T.
Protein change: p.Thr1066Ile; replaces threonine 1066 with isoleucine.
Molecular consequence: missense variant.
Genome position (GRCh38, 1-based): chr4:105,237,139, C>T. VCF-style: chr4-105237139-C-T. GRCh37 (hg19) VCF-style: chr4-106158296-C-T.
Other names: c.3197C>T, p.Thr1066Ile (NM_017628.4); short protein forms T1066I.
Identifiers: ClinVar variation 2796844 (VCV002796844.1), dbSNP rs774246302, ClinGen allele CA357802476.

ClinVar aggregate classification (germline): Uncertain significance (1 of 4 stars; one submission).

Submission:

Labcorp Genetics (formerly Invitae), Labcorp
Classification: Uncertain significance. Last evaluated: 2023-10-13. Review status: criteria provided, single submitter. Criteria: Invitae Variant Classification Sherloc (09022015). Collection method: clinical testing. Allele origin: germline.
Comment: This sequence change replaces threonine, which is neutral and polar, with isoleucine, which is neutral and non-polar, at codon 1066 of the TET2 protein (p.Thr1066Ile). This variant is not present in population databases (gnomAD no frequency). This variant has not been reported in the literature in individuals affected with TET2-related conditions. An algorithm developed to predict the effect of missense changes on protein structure and function (PolyPhen-2) suggests that this variant is likely to be disruptive. In summary, the available evidence is currently insufficient to determine the role of this variant in disease. Therefore, it has been classified as a Variant of Uncertain Significance.